The following is an entry in ClinVar:

NM_139319.3(SLC17A8):c.355-4C>A

Gene: SLC17A8 (solute carrier family 17 member 8; plus strand). Cytogenetic location: 12q23.1.
Variant type: single nucleotide variant.
Coding change: c.355-4C>A on transcript NM_139319.3 (MANE Select); 4 bases into the intron before coding-DNA position 355, C replaced by A.
Molecular consequence: intron variant.
Genome position (GRCh38, 1-based): chr12:100,390,997, C>A. VCF-style: chr12-100390997-C-A. GRCh37 (hg19) VCF-style: chr12-100784775-C-A.
Other names: c.355-4C>A (NM_001145288.2).
Identifiers: ClinVar variation 165242 (VCV000165242.20), dbSNP rs11568531, ClinGen allele CA177988.

ClinVar aggregate classification (germline): Benign. Review status: criteria provided, multiple submitters, no conflicts (2 of 4 stars). 6 submissions from 6 submitters: Benign (6). Last evaluated 2026-01-02.

Conditions:
Autosomal dominant nonsyndromic hearing loss 25. Identifiers: Orphanet 90635, MedGen C1854158, MONDO:0011568, OMIM 605583.

Allele frequency attached by ClinVar (database versions not stated): gnomAD exomes 0.00172 and 0.00338; ExAC 0.00335; gnomAD 0.00635 and 0.00670; ESP Exome Variant Server 0.00669; TOPMed 0.00796; 1000 Genomes Project 0.00819; 1000 Genomes Project 30x 0.00843.
gnomAD v4.1: 3,614 of 1,594,854 alleles (0.23%); highest among the groups gnomAD compares: African/African-American, 1.8%; 28 homozygotes.

Submissions (6):

Labcorp Genetics (formerly Invitae), Labcorp
Classification: Benign. Last evaluated: 2026-01-02. Review status: criteria provided, single submitter. Criteria: Invitae Variant Classification Sherloc (09022015). Collection method: clinical testing. Allele origin: germline.

Fulgent Genetics
Classification: Benign for Autosomal dominant nonsyndromic hearing loss 25. Last evaluated: 2021-09-08. Review status: criteria provided, single submitter. Criteria: ACMG Guidelines, 2015. Collection method: clinical testing. Allele origin: unknown.

GeneDx
Classification: Benign. Last evaluated: 2018-02-02. Review status: criteria provided, single submitter. Criteria: GeneDx Variant Classification (06012015). Collection method: clinical testing. Allele origin: germline. Affected: yes.
Comment: This variant is considered likely benign or benign based on one or more of the following criteria: it is a conservative change, it occurs at a poorly conserved position in the protein, it is predicted to be benign by multiple in silico algorithms, and/or has population frequency not consistent with disease.

Illumina Laboratory Services, Illumina
Classification: Benign for Autosomal dominant nonsyndromic hearing loss 25. Last evaluated: 2018-01-13. Review status: criteria provided, single submitter. Criteria: ICSL Variant Classification Criteria 13 December 2019. Collection method: clinical testing. Allele origin: germline.
Comment: This variant was observed in the ICSL laboratory as part of a predisposition screen in an ostensibly healthy population. It had not been previously curated by ICSL or reported in the Human Gene Mutation Database (HGMD: prior to June 1st, 2018), and was therefore a candidate for classification through an automated scoring system. Utilizing variant allele frequency, disease prevalence and penetrance estimates, and inheritance mode, an automated score was calculated to assess if this variant is too frequent to cause the disease. Based on the score and internal cut-off values, a variant classified as benign is not then subjected to further curation. The score for this variant resulted in a classification of benign for this disease.

Laboratory for Molecular Medicine, Mass General Brigham Personalized Medicine
Classification: Benign. Last evaluated: 2012-05-07. Review status: criteria provided, single submitter. Criteria: LMM Criteria. Collection method: clinical testing. Allele origin: germline. Observed: 3 variant alleles.
Comment: 355-4C>A in Intron 02 of SLC17A8: This variant is not expected to have clinical significance because it is not located within the conserved splice consensus seq uence and has been identified in 1.7% (62/3738) of African American chromosomes from a broad population by the NHLBI Exome Sequencing Project (dbSNP rs11568531).

Breakthrough Genomics
Classification: Benign. Review status: criteria provided, single submitter. Criteria: ACMG Guidelines, 2015. Collection method: not provided. Allele origin: germline. Inheritance: Autosomal dominant inheritance. Affected: yes.